The following is an entry in ClinVar:

NM_005902.4(SMAD3):c.891C>G (p.Tyr297Ter)

Gene: SMAD3 (SMAD family member 3; plus strand). Cytogenetic location: 15q22.33.
Variant type: single nucleotide variant.
Coding change: c.891C>G on transcript NM_005902.4 (MANE Select); coding-DNA position 891, C replaced by G.
Protein change: p.Tyr297Ter; replaces tyrosine 297 with a stop codon.
Molecular consequence: nonsense. On other transcripts: intron variant (1).
Genome position (GRCh38, 1-based): chr15:67,184,746, C>G. VCF-style: chr15-67184746-C-G. GRCh37 (hg19) VCF-style: chr15-67477084-C-G.
Other names: c.576C>G, p.Tyr192Ter (NM_001145102.2, NM_001407016.1); c.759C>G, p.Tyr253Ter (NM_001145103.2, NM_001407012.1); c.306C>G, p.Tyr102Ter (NM_001145104.2, NM_001407017.1); c.891C>G, p.Tyr297Ter (NM_001407011.1); c.744C>G, p.Tyr248Ter (NM_001407014.1); c.444C>G, p.Tyr148Ter (NM_001407015.1); c.872-2619C>G (NM_001407013.1); short protein forms Y148*, Y192*, Y248*, Y102*, Y253*, Y297*.
Identifiers: ClinVar variation 2770848 (VCV002770848.3), dbSNP rs2140319857, ClinGen allele CA392956728.
Genomic context (GRCh38, chr15:67,184,746, plus strand): 5'-GAGCAAAGGCACCCTGTCCAGTCTAACCTGAATCTCTGTAGGAAGAGGCGTGCGGCTCTA[C>G]TACATCGGAGGGGAGGTCTTCGCAGAGTGCCTCAGTGACAGCGCTATTTTTGTCCAGTCT-3'

ClinVar aggregate classification (germline): Pathogenic (1 of 4 stars; one submission).

Conditions:
Familial thoracic aortic aneurysm and aortic dissection (TAAD). Also called: Thoracic aortic aneurysms and dissections. Identifiers: Orphanet 91387, MedGen C4707243, MONDO:0019625.

Submission:

Labcorp Genetics (formerly Invitae), Labcorp
Classification: Pathogenic for Familial thoracic aortic aneurysm and aortic dissection. Last evaluated: 2023-10-22. Review status: criteria provided, single submitter. Criteria: Invitae Variant Classification Sherloc (09022015). Collection method: clinical testing. Allele origin: germline.
Comment: This sequence change creates a premature translational stop signal (p.Tyr297*) in the SMAD3 gene. It is expected to result in an absent or disrupted protein product. Loss-of-function variants in SMAD3 are known to be pathogenic (PMID: 21778426, 24804794). This variant is not present in population databases (gnomAD no frequency). This variant has not been reported in the literature in individuals affected with SMAD3-related conditions. For these reasons, this variant has been classified as Pathogenic.

Literature cited by the submitters: PubMed 21778426; PubMed 24804794.